The following is an entry in ClinVar:

ClinVar aggregate classification (germline): Likely benign. Review status: criteria provided, multiple submitters, no conflicts (2 of 4 stars). 4 submissions from 4 submitters: Likely benign (4). Last evaluated 2025-12-03.

Allele frequency attached by ClinVar (database versions not stated): gnomAD 0.00017; ExAC 0.00046.
gnomAD v4.1: 191 of 1,466,602 alleles (0.013%); highest among the groups gnomAD compares: Middle Eastern, 0.075%; 1 homozygote.

Submissions (4):

Labcorp Genetics (formerly Invitae), Labcorp
Classification: Likely benign. Last evaluated: 2025-12-03. Review status: criteria provided, single submitter. Criteria: Invitae Variant Classification Sherloc (09022015). Collection method: clinical testing. Allele origin: germline.

CeGaT Center for Human Genetics Tuebingen
Classification: Likely benign. Last evaluated: 2025-10-01. Review status: criteria provided, single submitter. Criteria: CeGaT Center For Human Genetics Tuebingen Variant Classification Criteria Version 2. Collection method: clinical testing. Allele origin: germline. Affected: yes. Observed: 1 variant allele.
Comment: AHDC1: BP4, BP7

Blueprint Genetics
Classification: Likely benign. Last evaluated: 2024-08-26. Review status: criteria provided, single submitter. Criteria: ACMG Guidelines, 2015. Collection method: clinical testing. Allele origin: germline.

GeneDx
Classification: Likely benign. Last evaluated: 2021-04-26. Review status: criteria provided, single submitter. Criteria: GeneDx Variant Classification Process June 2021. Collection method: clinical testing. Allele origin: germline. Affected: yes.

NM_001371928.1(AHDC1):c.99C>T (p.Pro33=)

Gene: AHDC1 (AT-hook DNA binding motif containing 1; minus strand). Cytogenetic location: 1p36.11.
Variant type: single nucleotide variant.
Coding change: c.99C>T on transcript NM_001371928.1 (MANE Select); coding-DNA position 99, C replaced by T.
Protein change: p.Pro33=; no amino-acid change (proline 33 retained).
Molecular consequence: synonymous variant.
Genome position (GRCh38, 1-based): chr1:27,552,017, G>A on the plus strand (C>T on the coding strand, the complement: AHDC1 is on the minus strand). VCF-style: chr1-27552017-G-A. GRCh37 (hg19) VCF-style: chr1-27878528-G-A.
Other names: c.99C>T, p.Pro33= (NM_001029882.3); c.99C>T (NM_001029882.2).
Identifiers: ClinVar variation 740282 (VCV000740282.17), dbSNP rs780048677, ClinGen allele CA716225.